The following is an entry in ClinVar:

NM_003036.4(SKI):c.326C>T (p.Thr109Ile)

Gene: SKI (SKI proto-oncogene; plus strand). Cytogenetic location: 1p36.33.
Variant type: single nucleotide variant.
Coding change: c.326C>T on transcript NM_003036.4 (MANE Select); coding-DNA position 326, C replaced by T.
Protein change: p.Thr109Ile; replaces threonine 109 with isoleucine.
Molecular consequence: missense variant.
Genome position (GRCh38, 1-based): chr1:2,229,092, C>T. VCF-style: chr1-2229092-C-T. GRCh37 (hg19) VCF-style: chr1-2160531-C-T.
Other names: short protein forms T109I.
Identifiers: ClinVar variation 3223069 (VCV003223069.1), dbSNP rs1638571393, ClinGen allele CA337952580.

ClinVar aggregate classification (germline): Uncertain significance (1 of 4 stars; one submission).

Conditions:
Familial thoracic aortic aneurysm and aortic dissection (TAAD). Also called: Thoracic aortic aneurysms and dissections. Identifiers: Orphanet 91387, MedGen C4707243, MONDO:0019625.

Submission:

Ambry Genetics
Classification: Uncertain significance for Familial thoracic aortic aneurysm and aortic dissection. Last evaluated: 2023-11-30. Review status: criteria provided, single submitter. Criteria: Ambry Variant Classification Scheme 2023. Collection method: clinical testing. Allele origin: germline.
Comment: The p.T109I variant (also known as c.326C>T), located in coding exon 1 of the SKI gene, results from a C to T substitution at nucleotide position 326. The threonine at codon 109 is replaced by isoleucine, an amino acid with similar properties. This amino acid position is conserved. In addition, the in silico prediction for this alteration is inconclusive. Since supporting evidence is limited at this time, the clinical significance of this alteration remains unclear.